The following is an entry in ClinVar:

NM_020312.4(COQ9):c.679_680del (p.Met227fs)

Gene: COQ9 (coenzyme Q9; plus strand). Cytogenetic location: 16q21.
Variant type: Deletion.
Coding change: c.679_680del on transcript NM_020312.4 (MANE Select); coding-DNA positions 679 to 680, 2 bases deleted (AT; older notation c.679_680delAT).
Protein change: p.Met227fs; shifts the reading frame from methionine 227.
Molecular consequence: frameshift variant.
Genome position (GRCh38, 1-based): chr16:57,458,318-57,458,319, AT deleted. VCF-style (leftmost placement, unchanged base first): chr16-57458317-CAT-C. GRCh37 (hg19) VCF-style: chr16-57492229-CAT-C.
Other names: short protein forms M227fs.
Identifiers: ClinVar variation 1931230 (VCV001931230.6), dbSNP rs751556970, ClinGen allele CA8076306.

ClinVar aggregate classification (germline): Pathogenic. Review status: criteria provided, multiple submitters, no conflicts (2 of 4 stars). 2 submissions from 2 submitters: Pathogenic (2). Last evaluated 2025-04-23.

Conditions:
Encephalopathy-hypertrophic cardiomyopathy-renal tubular disease syndrome. Identifiers: Orphanet 319678, MedGen C3553374, MONDO:0013840, OMIM 614654.

Allele frequency attached by ClinVar (database versions not stated): TOPMed below 0.00001; gnomAD exomes 0.00001; ExAC 0.00005.

Submissions (2):

Labcorp Genetics (formerly Invitae), Labcorp
Classification: Pathogenic. Last evaluated: 2025-04-23. Review status: criteria provided, single submitter. Criteria: Invitae Variant Classification Sherloc (09022015). Collection method: clinical testing. Allele origin: germline.
Comment: This sequence change creates a premature translational stop signal (p.Met227Valfs*10) in the COQ9 gene. It is expected to result in an absent or disrupted protein product. Loss-of-function variants in COQ9 are known to be pathogenic (PMID: 19375058, 26081641). This variant is present in population databases (rs751556970, gnomAD 0.007%). This variant has not been reported in the literature in individuals affected with COQ9-related conditions. ClinVar contains an entry for this variant (Variation ID: 1931230). For these reasons, this variant has been classified as Pathogenic.

Institute of Human Genetics, University of Leipzig Medical Center
Classification: Pathogenic for Encephalopathy-hypertrophic cardiomyopathy-renal tubular disease syndrome. Last evaluated: 2024-09-16. Review status: criteria provided, single submitter. Criteria: ACMG Guidelines, 2015. Collection method: clinical testing. Allele origin: inherited. Inheritance: Autosomal recessive inheritance. Affected: yes.
Comment: Criteria applied: PVS1,PM2_SUP,PM3_SUP

Literature cited by the submitters: PubMed 19375058 (cited by Labcorp Genetics (formerly Invitae), Labcorp); PubMed 26081641 (cited by Labcorp Genetics (formerly Invitae), Labcorp).